The following is an entry in ClinVar:

NM_006662.3(SRCAP):c.392C>G (p.Pro131Arg)

Gene: SRCAP (Snf2 related CREBBP activator protein; plus strand). Cytogenetic location: 16p11.2.
Variant type: single nucleotide variant.
Coding change: c.392C>G on transcript NM_006662.3 (MANE Select); coding-DNA position 392, C replaced by G.
Protein change: p.Pro131Arg; replaces proline 131 with arginine.
Molecular consequence: missense variant.
Genome position (GRCh38, 1-based): chr16:30,707,268, C>G. VCF-style: chr16-30707268-C-G. GRCh37 (hg19) VCF-style: chr16-30718589-C-G.
Other names: short protein forms P131R.
Identifiers: ClinVar variation 2430997 (VCV002430997.1), dbSNP rs2506609097, ClinGen allele CA395599022.

ClinVar aggregate classification (germline): Uncertain significance (1 of 4 stars; one submission).

Allele frequency attached by ClinVar (database versions not stated): gnomAD exomes below 0.00001.
gnomAD v4.1: 1 of 1,614,170 alleles (0.000062%); highest among the groups gnomAD compares: South Asian, 0.0011%; no homozygotes.

Submission:

GeneDx
Classification: Uncertain significance. Last evaluated: 2022-08-24. Review status: criteria provided, single submitter. Criteria: GeneDx Variant Classification Process June 2021. Collection method: clinical testing. Allele origin: germline. Affected: yes.
Comment: Not observed at significant frequency in large population cohorts (gnomAD); In silico analysis supports that this missense variant has a deleterious effect on protein structure/function; Has not been previously published as pathogenic or benign to our knowledge